The following is an entry in ClinVar:

NM_144670.6(A2ML1):c.2495A>G (p.Tyr832Cys)

Gene: A2ML1 (alpha-2-macroglobulin like 1; plus strand). Cytogenetic location: 12p13.31.
Variant type: single nucleotide variant.
Coding change: c.2495A>G on transcript NM_144670.6 (MANE Select); coding-DNA position 2495, A replaced by G.
Protein change: p.Tyr832Cys; replaces tyrosine 832 with cysteine.
Molecular consequence: missense variant.
Genome position (GRCh38, 1-based): chr12:8,852,241, A>G. VCF-style: chr12-8852241-A-G. GRCh37 (hg19) VCF-style: chr12-9004837-A-G.
Other names: c.1022A>G, p.Tyr341Cys (NM_001282424.3); short protein forms Y341C, Y832C.
Identifiers: ClinVar variation 2420991 (VCV002420991.6), dbSNP rs1275324253, ClinGen allele CA383833612.

ClinVar aggregate classification (germline): Uncertain significance (1 of 4 stars; one submission).

Allele frequency attached by ClinVar (database versions not stated): gnomAD exomes below 0.00001; TOPMed below 0.00001.
gnomAD v4.1: 2 of 1,614,144 alleles (0.00012%); highest among the groups gnomAD compares: Non-Finnish European, 0.000085%; no homozygotes.

Submission:

Labcorp Genetics (formerly Invitae), Labcorp
Classification: Uncertain significance. Last evaluated: 2021-12-22. Review status: criteria provided, single submitter. Criteria: Invitae Variant Classification Sherloc (09022015). Collection method: clinical testing. Allele origin: germline.
Comment: In summary, the available evidence is currently insufficient to determine the role of this variant in disease. Therefore, it has been classified as a Variant of Uncertain Significance. Algorithms developed to predict the effect of missense changes on protein structure and function are either unavailable or do not agree on the potential impact of this missense change (SIFT: "Deleterious"; PolyPhen-2: "Possibly Damaging"; Align-GVGD: "Class C0"). This variant has not been reported in the literature in individuals affected with A2ML1-related conditions. The frequency data for this variant in the population databases is considered unreliable, as metrics indicate poor data quality at this position in the gnomAD database. This sequence change replaces tyrosine, which is neutral and polar, with cysteine, which is neutral and slightly polar, at codon 832 of the A2ML1 protein (p.Tyr832Cys).